The following is an entry in ClinVar:

NM_003128.3(SPTBN1):c.1712C>T (p.Thr571Ile)

Gene: SPTBN1 (spectrin beta, non-erythrocytic 1; plus strand). Cytogenetic location: 2p16.2.
Variant type: single nucleotide variant.
Coding change: c.1712C>T on transcript NM_003128.3 (MANE Select); coding-DNA position 1712, C replaced by T.
Protein change: p.Thr571Ile; replaces threonine 571 with isoleucine.
Molecular consequence: missense variant.
Genome position (GRCh38, 1-based): chr2:54,628,164, C>T. VCF-style: chr2-54628164-C-T. GRCh37 (hg19) VCF-style: chr2-54855301-C-T.
Other names: c.1673C>T, p.Thr558Ile (NM_178313.3); short protein forms T558I, T571I.
Identifiers: ClinVar variation 1706395 (VCV001706395.2), dbSNP rs2549523534, ClinGen allele CA346876077.
Genomic context (GRCh38, chr2:54,628,164, plus strand): 5'-TATTGTCTCAAGACTATGGCAAACACTTACTTGGTGTGGAAGACCTGTTACAGAAGCACA[C>T]CCTGGTTGAAGCAGACATTGGCATCCAGGCAGAGCGGGTGAGAGGTGTCAATGCCTCCGC-3'
Protein context (NP_003119.2, residues 561-581): LGVEDLLQKH[Thr571Ile]LVEADIGIQA

ClinVar aggregate classification (germline): Uncertain significance (1 of 4 stars; one submission).

Allele frequency attached by ClinVar (database versions not stated): gnomAD exomes below 0.00001.
gnomAD v4.1: 2 of 1,614,048 alleles (0.00012%); highest among the groups gnomAD compares: South Asian, 0.0022%; no homozygotes.

Submission:

GeneDx
Classification: Uncertain significance. Last evaluated: 2022-03-17. Review status: criteria provided, single submitter. Criteria: GeneDx Variant Classification Process June 2021. Collection method: clinical testing. Allele origin: germline. Affected: yes.
Comment: Not observed at significant frequency in large population cohorts (gnomAD); In silico analysis supports that this missense variant does not alter protein structure/function; Has not been previously published as pathogenic or benign to our knowledge